The following is an entry in ClinVar:

ClinVar aggregate classification (germline): Uncertain significance. Review status: criteria provided, multiple submitters, no conflicts (2 of 4 stars). 2 submissions from 2 submitters: Uncertain significance (2). Last evaluated 2024-11-27.

Conditions:
Hereditary cancer-predisposing syndrome. Also called: Tumor predisposition; Hereditary neoplastic syndrome; Neoplastic Syndromes, Hereditary; Hereditary Cancer Syndrome. Identifiers: Orphanet 140162, MedGen C0027672, MeSH D009386, MONDO:0015356.
Hereditary nonpolyposis colorectal neoplasms. Identifiers: MedGen C0009405, MeSH D003123.

Submissions (2):

Labcorp Genetics (formerly Invitae), Labcorp
Classification: Uncertain significance for Hereditary nonpolyposis colorectal neoplasms. Last evaluated: 2024-11-27. Review status: criteria provided, single submitter. Criteria: Invitae Variant Classification Sherloc (09022015). Collection method: clinical testing. Allele origin: germline.
Comment: This sequence change replaces valine, which is neutral and non-polar, with isoleucine, which is neutral and non-polar, at codon 717 of the MSH6 protein (p.Val717Ile). This variant is not present in population databases (gnomAD no frequency). This variant has not been reported in the literature in individuals affected with MSH6-related conditions. ClinVar contains an entry for this variant (Variation ID: 858929). Invitae Evidence Modeling of protein sequence and biophysical properties (such as structural, functional, and spatial information, amino acid conservation, physicochemical variation, residue mobility, and thermodynamic stability) indicates that this missense variant is not expected to disrupt MSH6 protein function with a negative predictive value of 95%. In summary, the available evidence is currently insufficient to determine the role of this variant in disease. Therefore, it has been classified as a Variant of Uncertain Significance.

Ambry Genetics
Classification: Uncertain significance for Hereditary cancer-predisposing syndrome. Last evaluated: 2019-07-08. Review status: criteria provided, single submitter. Criteria: Ambry Variant Classification Scheme 2023. Collection method: clinical testing. Allele origin: germline.
Comment: The p.V717I variant (also known as c.2149G>A), located in coding exon 4 of the MSH6 gene, results from a G to A substitution at nucleotide position 2149. The valine at codon 717 is replaced by isoleucine, an amino acid with highly similar properties. This amino acid position is not well conserved in available vertebrate species. In addition, this alteration is predicted to be tolerated by in silico analysis. Since supporting evidence is limited at this time, the clinical significance of this alteration remains unclear.

NM_000179.3(MSH6):c.2149G>A (p.Val717Ile)

Gene: MSH6 (mutS homolog 6; plus strand). Cytogenetic location: 2p16.3.
Variant type: single nucleotide variant.
Coding change: c.2149G>A on transcript NM_000179.3 (MANE Select); coding-DNA position 2149, G replaced by A.
Protein change: p.Val717Ile; replaces valine 717 with isoleucine.
Molecular consequence: missense variant.
Genome position (GRCh38, 1-based): chr2:47,800,132, G>A. VCF-style: chr2-47800132-G-A. GRCh37 (hg19) VCF-style: chr2-48027271-G-A.
Other names: c.1759G>A, p.Val587Ile (NM_001281492.2); c.1243G>A, p.Val415Ile (NM_001281493.2, NM_001281494.2); short protein forms V415I, V717I, V587I.
Identifiers: ClinVar variation 858929 (VCV000858929.12), dbSNP rs1558664476, ClinGen allele CA346751104.